The following is an entry in ClinVar:

ClinVar aggregate classification (germline): Uncertain significance (1 of 4 stars; one submission).

Allele frequency attached by ClinVar (database versions not stated): gnomAD 0.00001; gnomAD exomes below 0.00001.
gnomAD v4.1: 3 of 1,440,750 alleles (0.00021%); highest among the groups gnomAD compares: Admixed American, 0.0027%; no homozygotes.

Submission:

Labcorp Genetics (formerly Invitae), Labcorp
Classification: Uncertain significance. Last evaluated: 2025-02-17. Review status: criteria provided, single submitter. Criteria: Invitae Variant Classification Sherloc (09022015). Collection method: clinical testing. Allele origin: germline.
Comment: This sequence change replaces aspartic acid, which is acidic and polar, with glycine, which is neutral and non-polar, at codon 118 of the SIRT1 protein (p.Asp118Gly). This variant is not present in population databases (gnomAD no frequency). This variant has not been reported in the literature in individuals affected with SIRT1-related conditions. ClinVar contains an entry for this variant (Variation ID: 2993330). An algorithm developed to predict the effect of missense changes on protein structure and function (PolyPhen-2) suggests that this variant is likely to be tolerated. In summary, the available evidence is currently insufficient to determine the role of this variant in disease. Therefore, it has been classified as a Variant of Uncertain Significance.

NM_012238.5(SIRT1):c.353A>G (p.Asp118Gly)

Gene: SIRT1 (sirtuin 1; plus strand). Cytogenetic location: 10q21.3.
Variant type: single nucleotide variant.
Coding change: c.353A>G on transcript NM_012238.5 (MANE Select); coding-DNA position 353, A replaced by G.
Protein change: p.Asp118Gly; replaces aspartic acid 118 with glycine.
Molecular consequence: missense variant.
Genome position (GRCh38, 1-based): chr10:67,885,074, A>G. VCF-style: chr10-67885074-A-G. GRCh37 (hg19) VCF-style: chr10-69644832-A-G.
Other names: short protein forms D118G.
Identifiers: ClinVar variation 2993330 (VCV002993330.3), dbSNP rs1842453200, ClinGen allele CA377036379.